The following is an entry in ClinVar:

NM_001122764.3(PPOX):c.441_442del (p.His147fs)

Gene: PPOX (protoporphyrinogen oxidase; plus strand). Cytogenetic location: 1q23.3.
Variant type: Microsatellite.
Coding change: c.441_442del on transcript NM_001122764.3 (MANE Select); coding-DNA positions 441 to 442, 2 bases deleted (CA; older notation c.441_442delCA).
Protein change: p.His147fs; shifts the reading frame from histidine 147.
Molecular consequence: frameshift variant. On other transcripts: 5 prime UTR variant (2), intron variant (2).
Genome position (GRCh38, 1-based): chr1:161,168,097-161,168,098, CA deleted; deleting any 2 consecutive bases within chr1:161,168,095-161,168,098 gives the same sequence; the c. name uses the placement nearest the transcript's 3' end. VCF-style (leftmost placement, unchanged base first): chr1-161168094-GCA-G. GRCh37 (hg19) VCF-style: chr1-161137884-GCA-G.
Other names: c.441_442del, p.His147fs (NM_000309.5, NM_001365398.1, NM_001365399.1); c.14_15del, p.Thr5fs (NM_001350129.2, NM_001365400.1); c.-48CA[1] (NM_001350130.2, NM_001365401.1); c.354-316_354-315del (NM_001350128.2); c.-34-316_-34-315del (NM_001350131.2); short protein forms H147fs, T5fs.
Identifiers: ClinVar variation 3720253 (VCV003720253.3).

ClinVar aggregate classification (germline): Pathogenic/Likely pathogenic. Review status: criteria provided, multiple submitters, no conflicts (2 of 4 stars). 2 submissions from 2 submitters: Pathogenic (1); Likely pathogenic (1). Last evaluated 2026-08-06.

Conditions:
Variegate porphyria (VP). Also called: PORPHYRIA, SOUTH AFRICAN TYPE; PROTOPORPHYRINOGEN OXIDASE DEFICIENCY; PPOX DEFICIENCY. Identifiers: Orphanet 79473, MedGen C0162532, MONDO:0008297, OMIM 176200.

Submissions (2):

OLLIN Analises Genomicas, OLLIN
Classification: Likely pathogenic for Variegate porphyria. Last evaluated: 2026-08-06. Review status: criteria provided, single submitter. Criteria: ACMG Guidelines 2015 PMID 25741868. Collection method: clinical testing. Allele origin: germline. Inheritance: Autosomal dominant inheritance.
Comment: This frameshift variant, located in exon 5 (of 13), has been reported in ClinVar (accession VCV003720253.2) and in gnomAD with an allele frequency of 0.000062%. However, to our knowledge, it has not been reported in the scientific literature. This variant causes a frameshift and introduces a premature stop codon, which is predicted to result in either a truncated protein or degradation of the mRNA via nonsense-mediated decay (NMD). According to the currently available evidence, this variant has been classified as likely pathogenic (PVS1, PM2_P).

Labcorp Genetics (formerly Invitae), Labcorp
Classification: Pathogenic. Last evaluated: 2024-09-26. Review status: criteria provided, single submitter. Criteria: Invitae Variant Classification Sherloc (09022015). Collection method: clinical testing. Allele origin: germline.
Comment: This sequence change creates a premature translational stop signal (p.His147Glnfs*10) in the PPOX gene. It is expected to result in an absent or disrupted protein product. Loss-of-function variants in PPOX are known to be pathogenic (PMID: 10486317). This variant is not present in population databases (gnomAD no frequency). This premature translational stop signal has been observed in individual(s) with porphyria variegata (PMID: 24997713). Algorithms developed to predict the effect of sequence changes on RNA splicing suggest that this variant may disrupt the consensus splice site. For these reasons, this variant has been classified as Pathogenic.

Literature cited by the submitters: PubMed 10486317 (cited by Labcorp Genetics (formerly Invitae), Labcorp); PubMed 24997713 (cited by Labcorp Genetics (formerly Invitae), Labcorp).